The following is an entry in ClinVar:

ClinVar aggregate classification (germline): Pathogenic. Review status: criteria provided, multiple submitters, no conflicts (2 of 4 stars). 22 submissions from 22 submitters: Pathogenic (21). 1 of the submissions does not count toward it. Last evaluated 2026-08-13.

Conditions:
ATM-related disorder. Also called: ATM-related disorders; ATM-related condition.
ATM-related cancer predisposition. Also called: ATM-related cancer susceptibility. Identifiers: MedGen CN377759, MONDO:0700270.
Hereditary cancer-predisposing syndrome. Also called: Hereditary Cancer Syndrome; Tumor predisposition; Neoplastic Syndromes, Hereditary; Hereditary neoplastic syndrome. Identifiers: Orphanet 140162, MedGen C0027672, MeSH D009386, MONDO:0015356.
Familial cancer of breast. Also called: hereditary breast carcinoma; BREAST CANCER, FAMILIAL; Hereditary breast cancer. Identifiers: Orphanet 227535, MedGen C0346153, MONDO:0016419, OMIM 114480. Disease mechanism: loss of function.
Ataxia-telangiectasia syndrome (AT). Also called: ATAXIA-TELANGIECTASIA, COMPLEMENTATION GROUP A; ATAXIA-TELANGIECTASIA, FRESNO VARIANT; Ataxia-telangiectasia; Ataxia-telangiectasia, complementation group E; Cerebello-oculocutaneous telangiectasia; Immunodeficiency with ataxia telangiectasia. Identifiers: Orphanet 100, MedGen C0004135, MONDO:0008840, OMIM 208900.

Allele frequency attached by ClinVar (database versions not stated): TOPMed 0.00003; gnomAD exomes 0.00001 and below 0.00001; gnomAD 0.00003; ExAC 0.00001.

Submissions 1 to 9 of 22:

PreventionGenetics, part of Exact Sciences
Classification: Pathogenic for ATM-related condition. Last evaluated: 2026-08-13. Review status: criteria provided, single submitter. Criteria: ACMG Guidelines, 2015. Collection method: clinical testing. Allele origin: germline.
Comment: The ATM c.8264_8268del5 variant is predicted to result in a frameshift and premature protein termination (p.Tyr2755Cysfs*12). This variant has been reported in the compound heterozygous state in multiple individuals with ataxia telangiectasia (Stankovic et al. 1998. PubMed ID: 9463314; Barone et al. 2009. PubMed ID: 19431188; Coutinho et al. 2004. PubMed ID: 15039971; Laake et al. 2000. PubMed ID: 10980530). This variant has also been reported in individuals with breast cancer (Table S1, Susswein LR et al. 2015. PubMed ID: 26681312, Table 1. Hollestelle A et al 2010. PubMed ID: 20346647, Graña B et al 2011. PubMed ID: 21445571, Table 2. Ellingson MS et al 2015. PubMed ID: 26296701). Experimental studies showed this variant resulted in no detectable kinase activity (Barone et al. 2009. PubMed ID: 19431188). This variant is reported in 0.0057% of alleles in individuals of Latino descent in gnomAD and is interpreted as pathogenic in ClinVar (Variation ID: 181865). Frameshift variants in ATM are expected to be pathogenic. This variant is interpreted as pathogenic.

Labcorp Genetics (formerly Invitae), Labcorp
Classification: Pathogenic for Ataxia-telangiectasia syndrome. Last evaluated: 2026-01-16. Review status: criteria provided, single submitter. Criteria: Invitae Variant Classification Sherloc (09022015). Collection method: clinical testing. Allele origin: germline.
Comment: This sequence change creates a premature translational stop signal (p.Tyr2755Cysfs*12) in the ATM gene. RNA analysis indicates that this premature translational stop signal induces altered splicing and likely results in a shortened protein product. This variant is present in population databases (rs730881294, gnomAD 0.006%). This premature translational stop signal has been observed in individuals with ataxia-telangiectasia and/or breast cancer (PMID: 1098053, 9463314, 12815592, 21445571, 21965147, 26296701, 26681312). ClinVar contains an entry for this variant (Variation ID: 181865). Algorithms developed to predict the effect of variants on gene product structure and function are not available or were not evaluated for this variant. Experimental studies have shown that this premature translational stop signal affects ATM function (PMID: 19431188). Studies have shown that this premature translational stop signal results in skipping of exon 56, but is expected to preserve the integrity of the reading-frame (internal data). For these reasons, this variant has been classified as Pathogenic.

Center for Genomic Medicine, Rigshospitalet, Copenhagen University Hospital
Classification: Pathogenic. Last evaluated: 2025-12-29. Review status: criteria provided, single submitter. Criteria: ACMG Guidelines, 2015. Collection method: clinical testing. Allele origin: germline.
Comment: Classification criteria: PVS1, PM3_strong, PM2_support

Natera, Inc.
Classification: Pathogenic for Ataxia-telangiectasia. Last evaluated: 2025-06-11. Review status: criteria provided, single submitter. Criteria: Natera Variant Classification Schema (03/2026). Collection method: clinical testing. Allele origin: germline.
Comment: The c.8264_8268delATAAG variant in ATM is a frameshift variant predicted to shift the reading frame beginning at codon 2755 and leads to a stop codon 12 codons downstream. This variant is expected to result in nonsense mediated decay, truncation, or a dysfunctional protein product. This variant is rare in the general population with a frequency below the threshold expected for the associated phenotype(s). This variant has been observed in one or more individuals affected with the associated recessive disease, as either homozygous or compound heterozygous with a second variant (PMID: 27664052). Given the available evidence, this variant is classified as Pathogenic.

Hereditary Cancer Laboratory, Hospital Universitario 12 de Octubre
Classification: Pathogenic for Hereditary cancer-predisposing syndrome. Last evaluated: 2024-04-24. Review status: criteria provided, single submitter. Criteria: ACMG Guidelines, 2015. Collection method: clinical testing. Allele origin: germline.
Comment: PVS1+PS3+PM2+PP5

Quest Diagnostics Nichols Institute San Juan Capistrano
Classification: Pathogenic. Last evaluated: 2024-03-19. Review status: criteria provided, single submitter. Criteria: Quest Diagnostics criteria. Collection method: clinical testing. Allele origin: unknown.
Comment: The ATM c.8264_8268del (p.Tyr2755Cysfs*12) variant alters the translational reading frame of the ATM mRNA and causes the premature termination of ATM protein synthesis. Additionally, this variant removes the last 5 nucleotides of exon 56 (also known as exon 58) and experimental studies have shown it causes skipping of the affected exon, resulting in a near complete loss of kinase activity in the variant protein (PMID: 10980530 (2000), 19431188 (2009)). This variant has been reported in the compound heterozygous state in multiple individuals affected with classic ataxia-telangiectasia (A-T) (PMID: 10330348 (1999), 10980530 (2000), 15039971 (2004), 21792198 (2011), 21965147 (2011), 27664052 (2017), 28170084 (2017), 35154108 (2022)). It has also been reported in individuals affected with breast cancer (PMID: 19781682 (2009), 21445571 (2011), 26296701 (2015), 26681312 (2015), 33471991 (2021), see also LOVD, 35245693 (2022), 35264596 (2022)), pancreatic cancer (PMID: 29922827 (2018)), and prostate cancer (PMID: 33436325 (2021)). The frequency of this variant in the general population, 0.000011 (3/282098 chromosomes (Genome Aggregation Database)), is consistent with pathogenicity. Based on the available information, this variant is classified as pathogenic.

Rady Children's Institute for Genomic Medicine, Rady Children's Hospital San Diego
Classification: Pathogenic for ATM-Related Disorders. Last evaluated: 2024-03-09. Review status: criteria provided, single submitter. Criteria: ACMG Guidelines, 2015. Collection method: clinical testing. Allele origin: germline. Affected: yes.
Comment: This frameshifting variant in exon 56 of 63 is predicted to affect normal splicing and result in loss of normal protein function; however, to our knowledge, no RNA-based splicing analysis has been performed to clarify the effect of this alteration on splicing. Loss-of-function variation in ATM is an established mechanism of disease (PMID: 20301790). This variant has been previously reported as a compound heterozygous and homozygous change in patients with ataxia-telangiectasia (PMID: 9463314, 10980530, 12815592, 15039971, 21792198, 21965147). This variant has also been reported as a heterozygous change in individuals with breast cancer (PMID: 21445571, 26296701, 26681312). Functional studies indicate this variant causes loss of ATM kinase activity (PMID: 19431188). The c.8264_8268del (p.Tyr2755CysfsTer12) variant is present in the heterozygous state in the gnomAD v4 population database at a frequency of 0.0007% (11/1601372) and thus is presumed to be rare. Based on the available evidence, c.8264_8268del (p.Tyr2755CysfsTer12) is classified as Pathogenic.

Baylor Genetics
Classification: Pathogenic for Familial cancer of breast. Last evaluated: 2024-03-04. Review status: criteria provided, single submitter. Criteria: ACMG Guidelines, 2015. Collection method: clinical testing. Allele origin: unknown.

Myriad Genetics, Inc.
Classification: Pathogenic for Familial cancer of breast. Last evaluated: 2024-02-02. Review status: criteria provided, single submitter. Criteria: Myriad Autosomal Dominant, Autosomal Recessive and X-Linked Classification Criteria (2023). Collection method: clinical testing. Allele origin: unknown.
Comment: This variant is considered pathogenic. This variant creates a frameshift predicted to result in premature protein truncation.

NM_000051.4(ATM):c.8264_8268del (p.Tyr2755fs)

Genes: ATM (ATM serine/threonine kinase; plus strand), C11orf65 (chromosome 11 open reading frame 65; minus strand). Cytogenetic location: 11q22.3.
Variant type: Deletion.
Coding change: c.8264_8268del on transcript NM_000051.4 (MANE Select); coding-DNA positions 8264 to 8268, 5 bases deleted (ATAAG; older notation c.8264_8268delATAAG).
Protein change: p.Tyr2755fs; shifts the reading frame from tyrosine 2755.
Molecular consequence: frameshift variant. On other transcripts: intron variant (2).
Genome position (GRCh38, 1-based): chr11:108,335,957-108,335,961, ATAAG deleted. VCF-style (leftmost placement, unchanged base first): chr11-108335956-TATAAG-T. GRCh37 (hg19) VCF-style: chr11-108206683-TATAAG-T.
Other names: c.8264_8268delATAAG (NM_000051.4); c.8264_8268del, p.Tyr2755fs (NM_001351834.2); c.641-26890_641-26886del (NM_001330368.2); c.695-669_695-665del (NM_001351110.2); short protein forms Y2755fs.
Identifiers: ClinVar variation 181865 (VCV000181865.50), dbSNP rs730881294, ClinGen allele CA276029.